The following is an entry in ClinVar:

ClinVar aggregate classification (germline): Uncertain significance. Review status: criteria provided, multiple submitters, no conflicts (2 of 4 stars). 2 submissions from 2 submitters: Uncertain significance (2). Last evaluated 2023-02-22.

Conditions:
MYH14-related disorder. Also called: MYH14-related condition.

Submissions (2):

PreventionGenetics, part of Exact Sciences
Classification: Uncertain significance for MYH14-related condition. Last evaluated: 2023-02-22. Review status: criteria provided, single submitter. Criteria: ACMG Guidelines, 2015. Collection method: clinical testing. Allele origin: germline.
Comment: The MYH14 c.4412A>G variant is predicted to result in the amino acid substitution p.Glu1471Gly. To our knowledge, this variant has not been reported in the literature or in a large population database, indicating this variant is rare. At this time, the clinical significance of this variant is uncertain due to the absence of conclusive functional and genetic evidence.

Labcorp Genetics (formerly Invitae), Labcorp
Classification: Uncertain significance. Last evaluated: 2022-08-23. Review status: criteria provided, single submitter. Criteria: Invitae Variant Classification Sherloc (09022015). Collection method: clinical testing. Allele origin: germline.
Comment: In summary, the available evidence is currently insufficient to determine the role of this variant in disease. Therefore, it has been classified as a Variant of Uncertain Significance. Algorithms developed to predict the effect of missense changes on protein structure and function are either unavailable or do not agree on the potential impact of this missense change (SIFT: "Deleterious"; PolyPhen-2: "Possibly Damaging"; Align-GVGD: "Class C0"). ClinVar contains an entry for this variant (Variation ID: 1380331). This variant has not been reported in the literature in individuals affected with MYH14-related conditions. This variant is not present in population databases (gnomAD no frequency). This sequence change replaces glutamic acid, which is acidic and polar, with glycine, which is neutral and non-polar, at codon 1430 of the MYH14 protein (p.Glu1430Gly).

NM_001145809.2(MYH14):c.4412A>G (p.Glu1471Gly)

Gene: MYH14 (myosin heavy chain 14; plus strand). Cytogenetic location: 19q13.33.
Variant type: single nucleotide variant.
Coding change: c.4412A>G on transcript NM_001145809.2 (MANE Select); coding-DNA position 4412, A replaced by G.
Protein change: p.Glu1471Gly; replaces glutamic acid 1471 with glycine.
Molecular consequence: missense variant.
Genome position (GRCh38, 1-based): chr19:50,281,715, A>G. VCF-style: chr19-50281715-A-G. GRCh37 (hg19) VCF-style: chr19-50784972-A-G.
Other names: c.4313A>G, p.Glu1438Gly (NM_001077186.2); c.4289A>G, p.Glu1430Gly (NM_024729.4); c.4412A>G (NM_001145809.1); short protein forms E1438G, E1471G, E1430G.
Identifiers: ClinVar variation 1380331 (VCV001380331.6), dbSNP rs2123423816, ClinGen allele CA406958176.